The following is an entry in ClinVar:

ClinVar aggregate classification (germline): Conflicting classifications of pathogenicity. Review status: criteria provided, conflicting classifications (1 of 4 stars). 2 submissions from 2 submitters: Uncertain significance (1); Likely benign (1). Last evaluated 2025-01-01.

Allele frequency attached by ClinVar (database versions not stated): ESP Exome Variant Server 0.00023; ExAC 0.00030; TOPMed 0.00031; gnomAD 0.00046; gnomAD exomes 0.00069.
gnomAD v4.1: 1,052 of 1,613,012 alleles (0.065%); highest among the groups gnomAD compares: Non-Finnish European, 0.087%; 2 homozygotes.

Submissions (2):

CeGaT Center for Human Genetics Tuebingen
Classification: Likely benign. Last evaluated: 2025-01-01. Review status: criteria provided, single submitter. Criteria: CeGaT Center For Human Genetics Tuebingen Variant Classification Criteria Version 2. Collection method: clinical testing. Allele origin: germline. Affected: yes. Observed: 1 variant allele.
Comment: ARHGEF17: BP4, BS2

Ambry Genetics
Classification: Uncertain significance. Last evaluated: 2021-09-01. Review status: criteria provided, single submitter. Criteria: Ambry Variant Classification Scheme 2023. Collection method: clinical testing. Allele origin: germline.

NM_014786.4(ARHGEF17):c.1170C>A (p.Ser390Arg)

Gene: ARHGEF17 (Rho guanine nucleotide exchange factor 17; plus strand). Cytogenetic location: 11q13.4.
Variant type: single nucleotide variant.
Coding change: c.1170C>A on transcript NM_014786.4 (MANE Select); coding-DNA position 1170, C replaced by A.
Protein change: p.Ser390Arg; replaces serine 390 with arginine.
Molecular consequence: missense variant.
Genome position (GRCh38, 1-based): chr11:73,309,808, C>A. VCF-style: chr11-73309808-C-A. GRCh37 (hg19) VCF-style: chr11-73020853-C-A.
Other names: short protein forms S390R.
Identifiers: ClinVar variation 2342841 (VCV002342841.15), dbSNP rs201956060, ClinGen allele CA6176898.